The following is an entry in ClinVar:

NM_000091.5(COL4A3):c.3850A>G (p.Thr1284Ala)

Genes: COL4A3 (collagen type IV alpha 3 chain; plus strand), MFF-DT (MFF divergent transcript; minus strand). Cytogenetic location: 2q36.3.
Variant type: single nucleotide variant.
Coding change: c.3850A>G on transcript NM_000091.5 (MANE Select); coding-DNA position 3850, A replaced by G.
Protein change: p.Thr1284Ala; replaces threonine 1284 with alanine.
Molecular consequence: missense variant.
Genome position (GRCh38, 1-based): chr2:227,298,780, A>G. VCF-style: chr2-227298780-A-G. GRCh37 (hg19) VCF-style: chr2-228163496-A-G.
Other names: short protein forms T1284A.
Identifiers: ClinVar variation 3713355 (VCV003713355.3).

ClinVar aggregate classification (germline): Uncertain significance. Review status: criteria provided, multiple submitters, no conflicts (2 of 4 stars). 2 submissions from 2 submitters: Uncertain significance (2). Last evaluated 2025-12-15.

Conditions:
COL4A3-related disorder. Also called: COL4A3-related condition; COL4A3-Related Disorders.

gnomAD v4.1: 27 of 1,613,848 alleles (0.0017%); highest among the groups gnomAD compares: Non-Finnish European, 0.0022%; no homozygotes.

Submissions (2):

Labcorp Genetics (formerly Invitae), Labcorp
Classification: Uncertain significance. Last evaluated: 2025-12-15. Review status: criteria provided, single submitter. Criteria: Invitae Variant Classification Sherloc (09022015). Collection method: clinical testing. Allele origin: germline.
Comment: This sequence change replaces threonine, which is neutral and polar, with alanine, which is neutral and non-polar, at codon 1284 of the COL4A3 protein (p.Thr1284Ala). This variant is present in population databases (no rsID available, gnomAD 0.01%). This variant has not been reported in the literature in individuals affected with COL4A3-related conditions. ClinVar contains an entry for this variant (Variation ID: 3713355). Invitae Evidence Modeling of protein sequence and biophysical properties (such as structural, functional, and spatial information, amino acid conservation, physicochemical variation, residue mobility, and thermodynamic stability) indicates that this missense variant is not expected to disrupt COL4A3 protein function with a negative predictive value of 95%. In summary, the available evidence is currently insufficient to determine the role of this variant in disease. Therefore, it has been classified as a Variant of Uncertain Significance.

PreventionGenetics, part of Exact Sciences
Classification: Uncertain significance for COL4A3-related condition. Last evaluated: 2025-02-27. Review status: criteria provided, single submitter. Criteria: ACMG Guidelines, 2015. Collection method: clinical testing. Allele origin: germline.
Comment: The COL4A3 c.3850A>G variant is predicted to result in the amino acid substitution p.Thr1284Ala. To our knowledge, this variant has not been reported in the literature. This variant is reported in 0.0099% of alleles in individuals of Ashkenazi Jewish descent in gnomAD. At this time, the clinical significance of this variant is uncertain due to the absence of conclusive functional and genetic evidence.